The following is an entry in ClinVar:

NM_000124.4(ERCC6):c.97C>A (p.Gln33Lys)

Gene: ERCC6 (ERCC excision repair 6, chromatin remodeling factor; minus strand). Cytogenetic location: 10q11.23.
Variant type: single nucleotide variant.
Coding change: c.97C>A on transcript NM_000124.4 (MANE Select); coding-DNA position 97, C replaced by A.
Protein change: p.Gln33Lys; replaces glutamine 33 with lysine.
Molecular consequence: missense variant.
Genome position (GRCh38, 1-based): chr10:49,532,868, G>T on the plus strand (C>A on the coding strand, the complement: ERCC6 is on the minus strand). VCF-style: chr10-49532868-G-T. GRCh37 (hg19) VCF-style: chr10-50740914-G-T.
Other names: c.97C>A, p.Gln33Lys (NM_001277058.2, NM_001277059.2, NM_001346440.2); c.97C>A (NM_000124.3); short protein forms Q33K.
Identifiers: ClinVar variation 2160330 (VCV002160330.2), dbSNP rs753464046, ClinGen allele CA5496624.
Genomic context (GRCh38, chr10:49,532,868, plus strand): 5'-CGTCACCCACAGAACGAAAGGAGAGGTACTCCTCCACCTCCCCATCACCACCACTTTCTT[G>T]CTTGATTGCCATTTCTTCATTATTACTGACAGGTTGACTCTGTAAACAGTCTTGCTCCTG-3'
Protein context (NP_000115.1, residues 23-43): VSNNEEMAIK[Gln33Lys]ESGGDGEVEE

ClinVar aggregate classification (germline): Uncertain significance. Review status: criteria provided, multiple submitters, no conflicts (2 of 4 stars). 2 submissions from 2 submitters: Uncertain significance (2). Last evaluated 2024-11-15.

Conditions:
ERCC6-related disorder. Also called: ERCC6-related disorders; ERCC6-related condition. Identifiers: MedGen CN239385.

Allele frequency attached by ClinVar (database versions not stated): gnomAD exomes below 0.00001; ExAC 0.00001; gnomAD 0.00001; TOPMed 0.00004.
gnomAD v4.1: 5 of 1,614,072 alleles (0.00031%); highest among the groups gnomAD compares: African/African-American, 0.0067%; no homozygotes.

Submissions (2):

PreventionGenetics, part of Exact Sciences
Classification: Uncertain significance for ERCC6-related condition. Last evaluated: 2024-11-15. Review status: criteria provided, single submitter. Criteria: ACMG Guidelines, 2015. Collection method: clinical testing. Allele origin: germline.
Comment: The ERCC6 c.97C>A variant is predicted to result in the amino acid substitution p.Gln33Lys. To our knowledge, this variant has not been reported in the literature. This variant is reported in 0.0062% of alleles in individuals of African descent in gnomAD. At this time, the clinical significance of this variant is uncertain due to the absence of conclusive functional and genetic evidence.

Labcorp Genetics (formerly Invitae), Labcorp
Classification: Uncertain significance. Last evaluated: 2022-04-29. Review status: criteria provided, single submitter. Criteria: Invitae Variant Classification Sherloc (09022015). Collection method: clinical testing. Allele origin: germline.
Comment: This sequence change replaces glutamine, which is neutral and polar, with lysine, which is basic and polar, at codon 33 of the ERCC6 protein (p.Gln33Lys). This variant is present in population databases (rs753464046, gnomAD 0.007%). This variant has not been reported in the literature in individuals affected with ERCC6-related conditions. Algorithms developed to predict the effect of missense changes on protein structure and function are either unavailable or do not agree on the potential impact of this missense change (SIFT: "Deleterious"; PolyPhen-2: "Benign"; Align-GVGD: "Class C45"). In summary, the available evidence is currently insufficient to determine the role of this variant in disease. Therefore, it has been classified as a Variant of Uncertain Significance.